The following is an entry in ClinVar:

NM_173354.5(SIK1):c.1144G>C (p.Asp382His)

Gene: SIK1 (salt inducible kinase 1; minus strand). Cytogenetic location: 21q22.3.
Variant type: single nucleotide variant.
Coding change: c.1144G>C on transcript NM_173354.5 (MANE Select); coding-DNA position 1144, G replaced by C.
Protein change: p.Asp382His; replaces aspartic acid 382 with histidine.
Molecular consequence: missense variant.
Genome position (GRCh38, 1-based): chr21:43,419,454, C>G on the plus strand (G>C on the coding strand, the complement: SIK1 is on the minus strand). VCF-style: chr21-43419454-C-G. GRCh37 (hg19) VCF-style: chr21-44839334-C-G.
Other names: short protein forms D382H.
Identifiers: ClinVar variation 2915727 (VCV002915727.3), dbSNP rs770570987, ClinGen allele CA410608634.

ClinVar aggregate classification (germline): Uncertain significance (1 of 4 stars; one submission).

Conditions:
Developmental and epileptic encephalopathy, 30 (DEE30). Also called: Epileptic encephalopathy, early infantile, 30. Identifiers: MedGen C4225360, MONDO:0014595, OMIM 616341.

Submission:

Labcorp Genetics (formerly Invitae), Labcorp
Classification: Uncertain significance for Developmental and epileptic encephalopathy, 30. Last evaluated: 2024-07-01. Review status: criteria provided, single submitter. Criteria: Invitae Variant Classification Sherloc (09022015). Collection method: clinical testing. Allele origin: germline.
Comment: This sequence change replaces aspartic acid, which is acidic and polar, with histidine, which is basic and polar, at codon 382 of the SIK1 protein (p.Asp382His). This variant is not present in population databases (gnomAD no frequency). This variant has not been reported in the literature in individuals affected with SIK1-related conditions. Advanced modeling of protein sequence and biophysical properties (such as structural, functional, and spatial information, amino acid conservation, physicochemical variation, residue mobility, and thermodynamic stability) performed at Invitae indicates that this missense variant is not expected to disrupt SIK1 protein function with a negative predictive value of 95%. In summary, the available evidence is currently insufficient to determine the role of this variant in disease. Therefore, it has been classified as a Variant of Uncertain Significance.